The following is an entry in ClinVar:

NM_014727.3(KMT2B):c.1673A>T (p.Glu558Val)

Gene: KMT2B (lysine methyltransferase 2B; plus strand). Cytogenetic location: 19q13.12.
Variant type: single nucleotide variant.
Coding change: c.1673A>T on transcript NM_014727.3 (MANE Select); coding-DNA position 1673, A replaced by T.
Protein change: p.Glu558Val; replaces glutamic acid 558 with valine.
Molecular consequence: missense variant.
Genome position (GRCh38, 1-based): chr19:35,721,020, A>T. VCF-style: chr19-35721020-A-T. GRCh37 (hg19) VCF-style: chr19-36211922-A-T.
Other names: short protein forms E558V.
Identifiers: ClinVar variation 5007937 (VCV005007937.1).
Genomic context (GRCh38, chr19:35,721,020, plus strand): 5'-GTGTCATCAAGACACCCCGGCGATTTATGGATGAAGACCCCCCCAAACCCCCAAAGGTGG[A>T]GGTCTCACCTGTCCTGCGACCTCCCATTACCACCTCCCCACCTGTTCCCCAGGAGCCAGC-3'
Protein context (NP_055542.1, residues 548-568): DEDPPKPPKV[Glu558Val]VSPVLRPPIT

ClinVar aggregate classification (germline): Uncertain significance (1 of 4 stars; one submission).

Submission:

GeneDx
Classification: Uncertain significance. Last evaluated: 2026-02-24. Review status: criteria provided, single submitter. Criteria: GeneDx Variant Classification Process June 2021. Collection method: clinical testing. Allele origin: germline.
Comment: Not observed at significant frequency in large population cohorts (gnomAD); In silico analysis suggests that this missense variant does not alter protein structure/function; Has not been previously published as pathogenic or benign to our knowledge